The following is an entry in ClinVar:

NM_021973.3(HAND2):c.503A>G (p.Lys168Arg)

Genes: HAND2 (heart and neural crest derivatives expressed 2; minus strand), HAND2-AS1 (HAND2 antisense RNA 1; plus strand). Cytogenetic location: 4q34.1.
Variant type: single nucleotide variant.
Coding change: c.503A>G on transcript NM_021973.3 (MANE Select); coding-DNA position 503, A replaced by G.
Protein change: p.Lys168Arg; replaces lysine 168 with arginine.
Molecular consequence: missense variant. On other transcripts: non-coding transcript variant (1).
Genome position (GRCh38, 1-based): chr4:173,528,787, T>C on the plus strand (A>G on the coding strand, the complement: HAND2 is on the minus strand). VCF-style: chr4-173528787-T-C. GRCh37 (hg19) VCF-style: chr4-174449938-T-C.
Other names: short protein forms K168R.
Identifiers: ClinVar variation 1418624 (VCV001418624.6), dbSNP rs1731591019, ClinGen allele CA358758572.

ClinVar aggregate classification (germline): Uncertain significance (1 of 4 stars; one submission).

Allele frequency attached by ClinVar (database versions not stated): TOPMed below 0.00001; gnomAD 0.00001.
gnomAD v4.1: 1 of 1,614,082 alleles (0.000062%); highest among the groups gnomAD compares: Non-Finnish European, 0.000085%; no homozygotes.

Submission:

Labcorp Genetics (formerly Invitae), Labcorp
Classification: Uncertain significance. Last evaluated: 2021-10-01. Review status: criteria provided, single submitter. Criteria: Invitae Variant Classification Sherloc (09022015). Collection method: clinical testing. Allele origin: germline.
Comment: This variant is not present in population databases (ExAC no frequency). In summary, the available evidence is currently insufficient to determine the role of this variant in disease. Therefore, it has been classified as a Variant of Uncertain Significance. Algorithms developed to predict the effect of missense changes on protein structure and function (SIFT, PolyPhen-2, Align-GVGD) all suggest that this variant is likely to be tolerated. This variant has not been reported in the literature in individuals affected with HAND2-related conditions. This sequence change replaces lysine with arginine at codon 168 of the HAND2 protein (p.Lys168Arg). The lysine residue is highly conserved and there is a small physicochemical difference between lysine and arginine.